The following is an entry in ClinVar:

ClinVar aggregate classification (germline): Uncertain significance (1 of 4 stars; one submission).

Submission:

Labcorp Genetics (formerly Invitae), Labcorp
Classification: Uncertain significance. Last evaluated: 2024-04-29. Review status: criteria provided, single submitter. Criteria: Invitae Variant Classification Sherloc (09022015). Collection method: clinical testing. Allele origin: germline.
Comment: This sequence change results in a frameshift in the TOP3A gene (p.Arg994Profs*13). While this is not anticipated to result in nonsense mediated decay, it is expected to disrupt the last 8 amino acid(s) of the TOP3A protein and extend the protein by 4 additional amino acid residues. This variant is not present in population databases (gnomAD no frequency). This variant has not been reported in the literature in individuals affected with TOP3A-related conditions. ClinVar contains an entry for this variant (Variation ID: 2022045). Experimental studies and prediction algorithms are not available or were not evaluated, and the functional significance of this variant is currently unknown. In summary, the available evidence is currently insufficient to determine the role of this variant in disease. Therefore, it has been classified as a Variant of Uncertain Significance.

NM_004618.5(TOP3A):c.2980dup (p.Arg994fs)

Gene: TOP3A (DNA topoisomerase III alpha; minus strand). Cytogenetic location: 17p11.2.
Variant type: Duplication.
Coding change: c.2980dup on transcript NM_004618.5 (MANE Select); coding-DNA position 2980, one base duplicated (C; older notation c.2980dupC).
Protein change: p.Arg994fs; shifts the reading frame from arginine 994.
Molecular consequence: frameshift variant.
Genome position (GRCh38, 1-based): chr17:18,274,828, G duplicated on the plus strand (C on the coding strand, the reverse complement: TOP3A is on the minus strand); the first of 3 consecutive G bases (chr17:18,274,828-18,274,830); duplicating any one gives the same sequence. VCF-style (leftmost placement, unchanged base first): chr17-18274827-C-CG. GRCh37 (hg19) VCF-style: chr17-18178141-C-CG.
Other names: c.2695dup, p.Arg899fs (NM_001320759.2); short protein forms R899fs, R994fs.
Identifiers: ClinVar variation 2022045 (VCV002022045.4), dbSNP rs1979229022, ClinGen allele CA2580092660.